The following is an entry in ClinVar:

ClinVar aggregate classification (germline): Uncertain significance (1 of 4 stars; one submission).

Conditions:
Hyper-IgE recurrent infection syndrome 1, autosomal dominant. Also called: JOB SYNDROME; HYPER-IgE SYNDROME 1, AUTOSOMAL DOMINANT, WITH RECURRENT INFECTIONS; Job's Syndrome; STAT3 Hyper IgE Syndrome; Hyper-IgE recurrent infection syndrome 1. Identifiers: Orphanet 2314, MedGen C2936739, MONDO:0007818, OMIM 147060.
STAT3 gain of function. Identifiers: MedGen C4288261.

Submission:

Labcorp Genetics (formerly Invitae), Labcorp
Classification: Uncertain significance for STAT3 gain of function; Hyper-IgE recurrent infection syndrome 1, autosomal dominant. Last evaluated: 2023-07-21. Review status: criteria provided, single submitter. Criteria: Invitae Variant Classification Sherloc (09022015). Collection method: clinical testing. Allele origin: germline.
Comment: This sequence change replaces isoleucine, which is neutral and non-polar, with phenylalanine, which is neutral and non-polar, at codon 217 of the STAT3 protein (p.Ile217Phe). This variant is not present in population databases (gnomAD no frequency). This variant has not been reported in the literature in individuals affected with STAT3-related conditions. ClinVar contains an entry for this variant (Variation ID: 2044185). Advanced modeling of protein sequence and biophysical properties (such as structural, functional, and spatial information, amino acid conservation, physicochemical variation, residue mobility, and thermodynamic stability) performed at Invitae indicates that this missense variant is not expected to disrupt STAT3 protein function. In summary, the available evidence is currently insufficient to determine the role of this variant in disease. Therefore, it has been classified as a Variant of Uncertain Significance.

NM_139276.3(STAT3):c.649A>T (p.Ile217Phe)

Genes: STAT3 (signal transducer and activator of transcription 3; minus strand), LOC130060888 (ATAC-STARR-seq lymphoblastoid active region 12197; plus strand). Cytogenetic location: 17q21.2.
Variant type: single nucleotide variant.
Coding change: c.649A>T on transcript NM_139276.3 (MANE Select); coding-DNA position 649, A replaced by T.
Protein change: p.Ile217Phe; replaces isoleucine 217 with phenylalanine.
Molecular consequence: missense variant.
Genome position (GRCh38, 1-based): chr17:42,337,583, T>A on the plus strand (A>T on the coding strand, the complement: STAT3 is on the minus strand). VCF-style: chr17-42337583-T-A. GRCh37 (hg19) VCF-style: chr17-40489601-T-A.
Other names: c.649A>T, p.Ile217Phe (NM_001369517.1, NM_001369518.1, NM_001369519.1 and 15 more transcripts); c.571A>T, p.Ile191Phe (NM_001384985.1); c.553A>T, p.Ile185Phe (NM_001384989.1); short protein forms I191F, I185F, I217F.
Identifiers: ClinVar variation 2044185 (VCV002044185.4), dbSNP rs2509433353, ClinGen allele CA399593781.